The following is an entry in ClinVar:

ClinVar aggregate classification (germline): Uncertain significance. Review status: criteria provided, multiple submitters, no conflicts (2 of 4 stars). 2 submissions from 2 submitters: Uncertain significance (2). Last evaluated 2024-01-24.

Conditions:
Multiple endocrine neoplasia, type 1 (MEN1). Also called: Endocrine adenomatosis multiple; MEN 1; MEN I; WERMER SYNDROME; MEA I. Identifiers: Orphanet 652, MedGen C0025267, MeSH D018761, MONDO:0007540, OMIM 131100.
Hereditary cancer-predisposing syndrome. Also called: Tumor predisposition; Hereditary neoplastic syndrome; Neoplastic Syndromes, Hereditary; Hereditary Cancer Syndrome. Identifiers: Orphanet 140162, MedGen C0027672, MeSH D009386, MONDO:0015356.

Allele frequency attached by ClinVar (database versions not stated): gnomAD 0.00001.
gnomAD v4.1: 1 of 1,614,044 alleles (0.000062%); highest among the groups gnomAD compares: East Asian, 0.0022%; no homozygotes.

Submissions (2):

Labcorp Genetics (formerly Invitae), Labcorp
Classification: Uncertain significance for Multiple endocrine neoplasia, type 1. Last evaluated: 2024-01-24. Review status: criteria provided, single submitter. Criteria: Invitae Variant Classification Sherloc (09022015). Collection method: clinical testing. Allele origin: germline.
Comment: This sequence change replaces proline, which is neutral and non-polar, with serine, which is neutral and polar, at codon 188 of the MEN1 protein (p.Pro188Ser). This variant is present in population databases (no rsID available, gnomAD 0.06%). This variant has not been reported in the literature in individuals affected with MEN1-related conditions. ClinVar contains an entry for this variant (Variation ID: 1525499). Advanced modeling of protein sequence and biophysical properties (such as structural, functional, and spatial information, amino acid conservation, physicochemical variation, residue mobility, and thermodynamic stability) has been performed at Invitae for this missense variant, however the output from this modeling did not meet the statistical confidence thresholds required to predict the impact of this variant on MEN1 protein function. In summary, the available evidence is currently insufficient to determine the role of this variant in disease. Therefore, it has been classified as a Variant of Uncertain Significance.

Ambry Genetics
Classification: Uncertain significance for Hereditary cancer-predisposing syndrome. Last evaluated: 2022-07-11. Review status: criteria provided, single submitter. Criteria: Ambry Variant Classification Scheme 2023. Collection method: clinical testing. Allele origin: germline.
Comment: The p.P188S variant (also known as c.562C>T), located in coding exon 2 of the MEN1 gene, results from a C to T substitution at nucleotide position 562. The proline at codon 188 is replaced by serine, an amino acid with similar properties. This amino acid position is conserved. In addition, the in silico prediction for this alteration is inconclusive. Since supporting evidence is limited at this time, the clinical significance of this alteration remains unclear.

NM_001370259.2(MEN1):c.562C>T (p.Pro188Ser)

Gene: MEN1 (menin 1; minus strand). Cytogenetic location: 11q13.1.
Variant type: single nucleotide variant.
Coding change: c.562C>T on transcript NM_001370259.2 (MANE Select); coding-DNA position 562, C replaced by T.
Protein change: p.Pro188Ser; replaces proline 188 with serine.
Molecular consequence: missense variant. On other transcripts: intron variant (2).
Genome position (GRCh38, 1-based): chr11:64,807,983, G>A on the plus strand (C>T on the coding strand, the complement: MEN1 is on the minus strand). VCF-style: chr11-64807983-G-A. GRCh37 (hg19) VCF-style: chr11-64575455-G-A.
Other names: c.577C>T, p.Pro193Ser (NM_000244.4, NM_130800.3, NM_130801.3 and 3 more transcripts); c.562C>T, p.Pro188Ser (NM_001370251.2, NM_001370260.2, NM_001370261.2 and 1 more transcripts); c.549+13C>T (NM_001370263.2, NM_001370262.2); short protein forms P188S, P193S.
Identifiers: ClinVar variation 1525499 (VCV001525499.10), dbSNP rs1209606579, ClinGen allele CA381185716.